The following is an entry in ClinVar:

NM_001267550.2(TTN):c.104559A>G (p.Pro34853=)

Genes: TTN (titin; minus strand), TTN-AS1 (TTN antisense RNA 1; plus strand). Cytogenetic location: 2q31.2.
Variant type: single nucleotide variant.
Coding change: c.104559A>G on transcript NM_001267550.2 (MANE Select); coding-DNA position 104559, A replaced by G.
Protein change: p.Pro34853=; no amino-acid change (proline 34853 retained).
Molecular consequence: synonymous variant.
Genome position (GRCh38, 1-based): chr2:178,532,056, T>C on the plus strand (A>G on the coding strand, the complement: TTN is on the minus strand). VCF-style: chr2-178532056-T-C. GRCh37 (hg19) VCF-style: chr2-179396783-T-C.
Other names: NC_000002.11:g.179396783T>C; c.99636A>G, p.Pro33212= (NM_001256850.1); c.77364A>G, p.Pro25788= (NM_003319.4); c.96855A>G, p.Pro32285= (NM_133378.4); c.77739A>G, p.Pro25913= (NM_133432.3); c.77940A>G, p.Pro25980= (NM_133437.4).
Identifiers: ClinVar variation 3772415 (VCV003772415.15).

ClinVar aggregate classification (germline): Likely benign. Review status: criteria provided, multiple submitters, no conflicts (2 of 4 stars). 2 submissions from 2 submitters: Likely benign (2). Last evaluated 2025-09-10.

Conditions:
Autosomal recessive limb-girdle muscular dystrophy type 2J (LGMDR10). Also called: Limb-girdle muscular dystrophy, type 2J; MUSCULAR DYSTROPHY, LIMB-GIRDLE, AUTOSOMAL RECESSIVE 10. Identifiers: Orphanet 140922, MedGen C1837342, MONDO:0012127, OMIM 608807.
Dilated cardiomyopathy 1G (CMD1G). Identifiers: Orphanet 154, MedGen C1858763, MONDO:0011400, OMIM 604145.

gnomAD v4.1: 1 of 1,613,950 alleles (0.000062%); highest among the groups gnomAD compares: East Asian, 0.0022%; no homozygotes.

Submissions (3):

Labcorp Genetics (formerly Invitae), Labcorp
Classification: Likely benign for Dilated cardiomyopathy 1G; Autosomal recessive limb-girdle muscular dystrophy type 2J. Last evaluated: 2025-09-10. Review status: criteria provided, single submitter. Criteria: Invitae Variant Classification Sherloc (09022015). Collection method: clinical testing. Allele origin: germline.

CeGaT Center for Human Genetics Tuebingen
Classification: Likely benign. Last evaluated: 2025-02-01. Review status: criteria provided, single submitter. Criteria: CeGaT Center For Human Genetics Tuebingen Variant Classification Criteria Version 2. Collection method: clinical testing. Allele origin: germline. Affected: yes. Observed: 1 variant allele.
Comment: TTN: BP4, BP7

Dr. Peter K. Rogan Lab, Western University
No classification provided (evidence only). Condition: Ovarian serous cystadenocarcinoma. Review status: no classification provided. Collection method: in vitro. Allele origin: not applicable. Functional consequence: retained intron. Not counted in ClinVar's aggregate classification.